The following is an entry in ClinVar:

ClinVar aggregate classification (germline): Uncertain significance (1 of 4 stars; one submission).

Conditions:
Hereditary cancer-predisposing syndrome. Also called: Tumor predisposition; Hereditary Cancer Syndrome; Hereditary neoplastic syndrome; Neoplastic Syndromes, Hereditary. Identifiers: Orphanet 140162, MedGen C0027672, MeSH D009386, MONDO:0015356.

Submission:

Ambry Genetics
Classification: Uncertain significance for Hereditary cancer-predisposing syndrome. Last evaluated: 2023-08-03. Review status: criteria provided, single submitter. Criteria: Ambry Variant Classification Scheme 2023. Collection method: clinical testing. Allele origin: germline.
Comment: The p.E1035D variant (also known as c.3105G>T), located in coding exon 24 of the POLD1 gene, results from a G to T substitution at nucleotide position 3105. The glutamic acid at codon 1035 is replaced by aspartic acid, an amino acid with highly similar properties. This amino acid position is conserved. In addition, this alteration is predicted to be tolerated by in silico analysis. Since supporting evidence is limited at this time, the clinical significance of this alteration remains unclear.

NM_002691.4(POLD1):c.3105G>T (p.Glu1035Asp)

Gene: POLD1 (DNA polymerase delta 1, catalytic subunit; plus strand). Cytogenetic location: 19q13.33.
Variant type: single nucleotide variant.
Coding change: c.3105G>T on transcript NM_002691.4 (MANE Select); coding-DNA position 3105, G replaced by T.
Protein change: p.Glu1035Asp; replaces glutamic acid 1035 with aspartic acid.
Molecular consequence: missense variant. On other transcripts: non-coding transcript variant (1).
Genome position (GRCh38, 1-based): chr19:50,417,082, G>T. VCF-style: chr19-50417082-G-T. GRCh37 (hg19) VCF-style: chr19-50920339-G-T.
Other names: c.3105G>T, p.Glu1035Asp (NM_001256849.1); c.3183G>T, p.Glu1061Asp (NM_001308632.1); short protein forms E1061D, E1035D.
Identifiers: ClinVar variation 2625403 (VCV002625403.2), dbSNP rs757102306, ClinGen allele CA406987153.